The following is an entry in ClinVar:

ClinVar aggregate classification (germline): Likely benign. Review status: reviewed by expert panel (3 of 4 stars). 4 submissions from 4 submitters: Likely benign (1). 3 of the submissions do not count toward it. Last evaluated 2017-06-29.

Conditions:
Hereditary cancer-predisposing syndrome. Also called: Tumor predisposition; Hereditary Cancer Syndrome; Neoplastic Syndromes, Hereditary; Hereditary neoplastic syndrome. Identifiers: Orphanet 140162, MedGen C0027672, MeSH D009386, MONDO:0015356.
Breast-ovarian cancer, familial, susceptibility to, 2 (BROVCA2). Also called: BRCA2 Hereditary Breast and Ovarian Cancer. Identifiers: Orphanet 145, MedGen C2675520, MONDO:0012933, OMIM 612555. Disease mechanism: loss of function.

Submissions (4):

Evidence-based Network for the Interpretation of Germline Mutant Alleles (ENIGMA)
Classification: Likely benign for Breast-ovarian cancer, familial, susceptibility to, 2. Last evaluated: 2017-06-29. Review status: reviewed by expert panel. Criteria: ENIGMA BRCA1/2 Classification Criteria (2017-06-29). Collection method: curation. Allele origin: germline.
Comment: Synonymous substitution variant, with low bioinformatic likelihood to result in a splicing aberration (Splicing prior probability 0.02).

Ambry Genetics
Classification: Likely benign for Hereditary cancer-predisposing syndrome. Last evaluated: 2021-05-24. Review status: criteria provided, single submitter. Criteria: Ambry Variant Classification Scheme 2023. Collection method: clinical testing. Allele origin: germline. Not counted in ClinVar's aggregate classification.

Labcorp Genetics (formerly Invitae), Labcorp
Classification: Likely benign. Last evaluated: 2015-01-28. Review status: criteria provided, single submitter. Criteria: Invitae Variant Classification Sherloc (09022015). Collection method: clinical testing. Allele origin: germline. Not counted in ClinVar's aggregate classification.

Counsyl
Classification: Likely benign for Breast-ovarian cancer, familial, susceptibility to, 2. Last evaluated: 2017-01-25. Review status: no assertion criteria provided. Collection method: clinical testing. Allele origin: unknown. Not counted in ClinVar's aggregate classification.

NM_000059.4(BRCA2):c.7398A>G (p.Val2466=)

Gene: BRCA2 (BRCA2 DNA repair associated; plus strand). Cytogenetic location: 13q13.1.
Variant type: single nucleotide variant.
Coding change: c.7398A>G on transcript NM_000059.4 (MANE Select); coding-DNA position 7398, A replaced by G.
Protein change: p.Val2466=; no amino-acid change (valine 2466 retained).
Molecular consequence: synonymous variant.
Genome position (GRCh38, 1-based): chr13:32,355,251, A>G. VCF-style: chr13-32355251-A-G. GRCh37 (hg19) VCF-style: chr13-32929388-A-G.
Identifiers: ClinVar variation 215615 (VCV000215615.9), dbSNP rs863224311, ClinGen allele CA336412.